The following is an entry in ClinVar:

NM_006648.4(WNK2):c.5593G>A (p.Val1865Ile)

Gene: WNK2 (WNK lysine deficient protein kinase 2; plus strand). Cytogenetic location: 9q22.31.
Variant type: single nucleotide variant.
Coding change: c.5593G>A on transcript NM_006648.4 (MANE Select); coding-DNA position 5593, G replaced by A.
Protein change: p.Val1865Ile; replaces valine 1865 with isoleucine.
Molecular consequence: missense variant.
Genome position (GRCh38, 1-based): chr9:93,293,058, G>A. VCF-style: chr9-93293058-G-A. GRCh37 (hg19) VCF-style: chr9-96055340-G-A.
Other names: c.5704G>A, p.Val1902Ile (NM_001282394.3); short protein forms V1865I, V1902I.
Identifiers: ClinVar variation 3981708 (VCV003981708.1).

ClinVar aggregate classification (germline): Uncertain significance (1 of 4 stars; one submission).

Submission:

Ambry Genetics
Classification: Uncertain significance. Last evaluated: 2025-03-24. Review status: criteria provided, single submitter. Criteria: Ambry Variant Classification Scheme 2023. Collection method: clinical testing. Allele origin: germline.
Comment: The p.V1865I variant (also known as c.5593G>A), located in coding exon 22 of the WNK2 gene, results from a G to A substitution at nucleotide position 5593. The valine at codon 1865 is replaced by isoleucine, an amino acid with highly similar properties. This amino acid position is conserved. In addition, this alteration is predicted to be tolerated by in silico analysis. Based on the available evidence, the clinical significance of this variant remains unclear.